The following is an entry in ClinVar:

ClinVar aggregate classification (germline): Conflicting classifications of pathogenicity. Review status: criteria provided, conflicting classifications (1 of 4 stars). 4 submissions from 4 submitters: Likely pathogenic (1); Uncertain significance (2). 1 of the submissions does not count toward it. Last evaluated 2026-05-15.

Conditions:
Hereditary factor XI deficiency disease. Also called: Congenital factor XI deficiency; PLASMA THROMBOPLASTIN ANTECEDENT DEFICIENCY; PTA DEFICIENCY; ROSENTHAL SYNDROME. Identifiers: Orphanet 329, MedGen C0015523, MeSH D005173, MONDO:0012897, OMIM 612416.
Plasma factor XI deficiency.

Allele frequency attached by ClinVar (database versions not stated): ESP Exome Variant Server 0.00008; gnomAD 0.00010; TOPMed 0.00014; ExAC 0.00015; gnomAD exomes 0.00016; 1000 Genomes Project 30x 0.00031; 1000 Genomes Project 0.00040.
gnomAD v4.1: 233 of 1,614,124 alleles (0.014%); highest among the groups gnomAD compares: Middle Eastern, 0.099%; no homozygotes.

Submissions (4):

Myriad Genetics, Inc.
Classification: Uncertain significance for Hereditary factor XI deficiency disease. Last evaluated: 2026-05-15. Review status: criteria provided, single submitter. Criteria: Myriad Autosomal Dominant, Autosomal Recessive and X-Linked Classification Criteria (2023). Collection method: clinical testing. Allele origin: unknown.
Comment: NM_000128.3(F11):c.1858G>C(E620Q) is a missense variant classified as a variant of uncertain significance in the context of factor XI deficiency. E620Q has been observed in cases with relevant disease (PMID: 35946447, 20398070, 41124306). Relevant functional assessments of this variant are not available in the literature. E620Q has been observed in referenced population frequency databases. In summary, there is insufficient evidence to classify NM_000128.3(F11):c.1858G>C(E620Q) as pathogenic or benign. Please note: this variant was assessed in the context of healthy population screening.

Natera, Inc.
Classification: Likely pathogenic for Plasma factor XI deficiency. Last evaluated: 2026-01-21. Review status: criteria provided, single submitter. Criteria: Natera Variant Classification Schema (03/2026). Collection method: clinical testing. Allele origin: germline.
Comment: The c.1858G>C variant in F11 is a missense variant predicted to cause substitution of glutamic acid to glutamine at amino acid 620. This variant is rare in the general population with a frequency below the threshold expected for the associated phenotype(s). This variant has been observed in one or more individuals affected with the associated recessive disease, as either homozygous or compound heterozygous with a second variant (PMID: 35946447). Additionally, this variant has been observed to segregate in affected family members (PMID: 35946447). Given the available evidence, this variant is classified as Likely Pathogenic.

Institute of Immunology and Genetics Kaiserslautern
Classification: Uncertain significance for Hereditary factor XI deficiency disease. Last evaluated: 2025-06-04. Review status: criteria provided, single submitter. Criteria: ACMG Guidelines, 2015. Collection method: clinical testing. Allele origin: germline. Affected: yes.
Comment: ACMG Criteria: PM2; Variant was found in homozygous state.

Department of Pathology and Laboratory Medicine, Sinai Health System
Classification: Uncertain significance. Review status: no assertion criteria provided. Collection method: clinical testing. Allele origin: unknown. Affected: yes. Study: The Canadian Open Genetics Repository (COGR). Not counted in ClinVar's aggregate classification.
Comment: The F11 p.Glu620Gln variant was identified in 1 of 38 proband chromosomes (frequency: 0.0263) from individuals with Factor XI (FXI) deficiency (Rugeri_2010_PMID: 20398070). The variant was found as a novel mutation in one patient, in the compound heterozygous with another variant c.127G>A. Their clinical phenotype was classified as "mild" bleeder. The F11 p.Glu620Gln variant was not identified in ClinVar, Cosmic or LOVD 3.0 databases. The variant was identified in dbSNP (ID: rs148054334) and was found in control databases in 40 of 251334 chromosomes at a frequency of 0.000159 (Genome Aggregation Database Feb 27, 2017). The variant was also observed in the following populations: Latino in 18 of 34578 chromosomes (freq: 0.000521), Other in 3 of 6136 chromosomes (freq: 0.000489), European (non-Finnish) in 16 of 113668 chromosomes (freq: 0.000141), African in 2 of 16250 chromosomes (freq: 0.000123) and Ashkenazi Jewish in 1 of 10080 chromosomes (freq: 0.000099), while the variant was not observed in the East Asian, European (Finnish) and South Asian populations. The variant occurs outside of the splicing consensus sequence and 2 of 4 in silico or computational prediction software programs (SpliceSiteFinder and MaxEntScan) predict a greater than 10% difference in splicing; this is not very predictive of pathogenicity, i.e. a gain of a 3' splice site at c.1860. The p.Glu620 residue is mostly conserved in mammals and other organisms, and computational analyses (PolyPhen-2, SIFT, AlignGVGD, BLOSUM, MutationTaster) provide inconsistent predictions regarding the impact to the protein; this information is not very predictive of pathogenicity. In summary, based on the above information the clinical significance of this variant cannot be determined with certainty at this time. This variant is classified as a variant of uncertain significance.

Literature cited by the submitters: PubMed 20398070 (cited by Myriad Genetics, Inc.); PubMed 35946447 (cited by Myriad Genetics, Inc. and Natera, Inc.); PubMed 41124306 (cited by Myriad Genetics, Inc.).

NM_000128.4(F11):c.1858G>C (p.Glu620Gln)

Genes: F11 (coagulation factor XI; plus strand), F11-AS1 (F11 antisense RNA 1; minus strand). Cytogenetic location: 4q35.2.
Variant type: single nucleotide variant.
Coding change: c.1858G>C on transcript NM_000128.4 (MANE Select); coding-DNA position 1858, G replaced by C.
Protein change: p.Glu620Gln; replaces glutamic acid 620 with glutamine.
Molecular consequence: missense variant. On other transcripts: non-coding transcript variant (1).
Genome position (GRCh38, 1-based): chr4:186,288,594, G>C. VCF-style: chr4-186288594-G-C. GRCh37 (hg19) VCF-style: chr4-187209748-G-C.
Other names: c.1858G>C (NM_000128.3); short protein forms E620Q.
Identifiers: ClinVar variation 1050220 (VCV001050220.4), dbSNP rs148054334, ClinGen allele CA3164146.